The following is an entry in ClinVar:

ClinVar aggregate classification (germline): Pathogenic (1 of 4 stars; one submission).

Submission:

GeneDx
Classification: Pathogenic. Last evaluated: 2017-10-16. Review status: criteria provided, single submitter. Criteria: GeneDx Variant Classification (06012015). Collection method: clinical testing. Allele origin: germline. Affected: yes.
Comment: The c.2484_2510dup27 variant results in the in-frame duplication of 9 amino acids starting with codon Glutamic acid 828, denoted p. Glu828_Gly836dup. The duplicated amino acids are within the Gly-X-Y repeat within the triple helical region of the protein. Variants affecting these repeats result in poor winding of the collagen triple helix and a less functional protein. Multiple in-frame variants adding or removing Gly-X-Y repeats have been reported in the Human Gene Mutation Database in association with COL1A1-related disorders (Stenson et al., 2014).

NM_000088.4(COL1A1):c.2484_2510dup (p.Glu828_Gly836dup)

Gene: COL1A1 (collagen type I alpha 1 chain; minus strand). Cytogenetic location: 17q21.33.
Variant type: Duplication.
Coding change: c.2484_2510dup on transcript NM_000088.4 (MANE Select); coding-DNA positions 2484 to 2510, 27 bases duplicated (ACCTGGTGATGCTGGTGCTAAAGGCGA).
Protein change: p.Glu828_Gly836dup.
Molecular consequence: inframe insertion.
Genome position (GRCh38, 1-based): chr17:50,190,050-50,190,076, TCGCCTTTAGCACCAGCATCACCAGGT duplicated on the plus strand (ACCTGGTGATGCTGGTGCTAAAGGCGA on the coding strand, the reverse complement: COL1A1 is on the minus strand); duplicating any 27 consecutive bases within chr17:50,190,050-50,190,092 gives the same sequence; the c. name uses the placement nearest the transcript's 3' end. VCF-style (leftmost placement, unchanged base first): chr17-50190049-A-ATCGCCTTTAGCACCAGCATCACCAGGT. GRCh37 (hg19) VCF-style: chr17-48267410-A-ATCGCCTTTAGCACCAGCATCACCAGGT.
Identifiers: ClinVar variation 503749 (VCV000503749.2), dbSNP rs1555572656, ClinGen allele CA658798894.